The following is an entry in ClinVar:

ClinVar aggregate classification (germline): Pathogenic (1 of 4 stars; one submission).

Submission:

Labcorp Genetics (formerly Invitae), Labcorp
Classification: Pathogenic. Last evaluated: 2025-12-10. Review status: criteria provided, single submitter. Criteria: Invitae Variant Classification Sherloc (09022015). Collection method: clinical testing. Allele origin: germline.
Comment: This sequence change creates a premature translational stop signal (p.Trp171Glyfs*2) in the CNGA3 gene. It is expected to result in an absent or disrupted protein product. Loss-of-function variants in CNGA3 are known to be pathogenic (PMID: 14757870, 24903488, 25637600). This variant is not present in population databases (gnomAD no frequency). This variant has not been reported in the literature in individuals affected with CNGA3-related conditions. For these reasons, this variant has been classified as Pathogenic.

Literature cited by the submitters: PubMed 14757870; PubMed 24903488; PubMed 25637600.

NM_001298.3(CNGA3):c.510del (p.Trp171fs)

Gene: CNGA3 (cyclic nucleotide gated channel subunit alpha 3; plus strand). Cytogenetic location: 2q11.2.
Variant type: Deletion.
Coding change: c.510del on transcript NM_001298.3 (MANE Select); coding-DNA position 510, one base deleted (C; older notation c.510delC).
Protein change: p.Trp171fs; shifts the reading frame from tryptophan 171.
Molecular consequence: frameshift variant.
Genome position (GRCh38, 1-based): chr2:98,389,718, C deleted. VCF-style (leftmost placement, unchanged base first): chr2-98389717-GC-G. GRCh37 (hg19) VCF-style: chr2-99006180-GC-G.
Other names: c.456del, p.Trp153fs (NM_001079878.2); short protein forms W171fs, W153fs.
Identifiers: ClinVar variation 4769077 (VCV004769077.1).